The following is an entry in ClinVar:

ClinVar aggregate classification (germline): Likely benign (1 of 4 stars; one submission).

gnomAD v4.1: 2 of 1,594,770 alleles (0.00013%); highest among the groups gnomAD compares: Non-Finnish European, 0.00017%; no homozygotes.

Submission:

Molecular Diagnostic Laboratory for Inherited Cardiovascular Disease, Montreal Heart Institute
Classification: Likely benign. Last evaluated: 2026-03-27. Review status: criteria provided, single submitter. Criteria: ACMG Guidelines, 2015. Collection method: clinical testing. Allele origin: germline. Affected: no.
Comment: BP7

NM_000719.7(CACNA1C):c.6393C>T (p.Ser2131=)

Gene: CACNA1C (calcium voltage-gated channel subunit alpha1 C; plus strand). Cytogenetic location: 12p13.33.
Variant type: single nucleotide variant.
Coding change: c.6393C>T on transcript NM_000719.7 (MANE Select); coding-DNA position 6393, C replaced by T.
Protein change: p.Ser2131=; no amino-acid change (serine 2131 retained).
Molecular consequence: synonymous variant.
Genome position (GRCh38, 1-based): chr12:2,691,175, C>T. VCF-style: chr12-2691175-C-T. GRCh37 (hg19) VCF-style: chr12-2800341-C-T.
Other names: c.6642C>T, p.Ser2214= (NM_199460.4); c.6393C>T, p.Ser2131= (NM_001129840.2, NM_001129841.2, NM_001129842.2 and 2 more transcripts); c.6384C>T, p.Ser2128= (NM_001129844.2); c.6360C>T, p.Ser2120= (NM_001129846.2); c.6498C>T, p.Ser2166= (NM_001167624.3, NM_001129830.3); c.6573C>T, p.Ser2191= (NM_001167625.2); c.6537C>T, p.Ser2179= (NM_001129827.2); c.6516C>T, p.Ser2172= (NM_001129829.2); and 6 more.
Identifiers: ClinVar variation 4820441 (VCV004820441.1), dbSNP rs750116200.
Genomic context (GRCh38, chr12:2,691,175, plus strand): 5'-AGAGGACGCGGGCTGTGTGCGCGCGCGGGGTCGACCGAGTGAGGAGGAGCTCCAGGACAG[C>T]AGGGTCTACGTCAGCAGCCTGTAGTGGGCGCTGCCAGATGCGGGCTTTTTTTTATTTGTT-3'
Protein context (NP_000710.5, residues 2121-2138): GRPSEEELQD[Ser2131=]RVYVSSL